The following is an entry in ClinVar:

ClinVar aggregate classification (germline): Benign/Likely benign. Review status: criteria provided, multiple submitters, no conflicts (2 of 4 stars). 15 submissions from 15 submitters: Benign (2); Likely benign (11). 2 of the submissions do not count toward it. Last evaluated 2026-01-25.

Conditions:
Breast-ovarian cancer, familial, susceptibility to, 5 (BROVCA5). Identifiers: MedGen C5830615, MONDO:0957530, OMIM 620442.
Fanconi anemia complementation group N. Also called: PALB2-Related Fanconi Anemia. Identifiers: Orphanet 84, MedGen C1835817, MONDO:0012565, OMIM 610832. Disease mechanism: loss of function.
Pancreatic cancer, susceptibility to, 3. Identifiers: Orphanet 1333, MedGen C3150547, MONDO:0013236, OMIM 613348.
PALB2-related disorder. Also called: PALB2-related condition; PALB2-related disorders.
Hereditary cancer-predisposing syndrome. Also called: Tumor predisposition; Neoplastic Syndromes, Hereditary; Hereditary Cancer Syndrome; Hereditary neoplastic syndrome. Identifiers: Orphanet 140162, MedGen C0027672, MeSH D009386, MONDO:0015356.
Familial cancer of breast. Also called: hereditary breast carcinoma; BREAST CANCER, FAMILIAL; Hereditary breast cancer. Identifiers: Orphanet 227535, MedGen C0346153, MONDO:0016419, OMIM 114480. Disease mechanism: loss of function.

Allele frequency attached by ClinVar (database versions not stated): gnomAD exomes 0.00002 and 0.00005; gnomAD 0.00003 and 0.00004; ExAC 0.00004; TOPMed 0.00007.

Submissions (15):

Labcorp Genetics (formerly Invitae), Labcorp
Classification: Likely benign for Familial cancer of breast. Last evaluated: 2026-01-25. Review status: criteria provided, single submitter. Criteria: Invitae Variant Classification Sherloc (09022015). Collection method: clinical testing. Allele origin: germline.

Center for Genomic Medicine, Rigshospitalet, Copenhagen University Hospital
Classification: Likely benign. Last evaluated: 2025-12-29. Review status: criteria provided, single submitter. Criteria: ACMG Guidelines, 2015. Collection method: clinical testing. Allele origin: germline.

Department of Pathology and Laboratory Medicine, Sinai Health System
Classification: Likely benign for Fanconi anemia complementation group N; Pancreatic cancer, susceptibility to, 3; Breast-ovarian cancer, familial, susceptibility to, 5. Last evaluated: 2024-10-11. Review status: criteria provided, single submitter. Criteria: ACMG Guidelines, 2015. Collection method: clinical testing. Allele origin: germline. Affected: no.

CeGaT Center for Human Genetics Tuebingen
Classification: Likely benign. Last evaluated: 2024-02-01. Review status: criteria provided, single submitter. Criteria: CeGaT Center For Human Genetics Tuebingen Variant Classification Criteria Version 2. Collection method: clinical testing. Allele origin: germline. Affected: yes. Observed: 1 variant allele.
Comment: PALB2: BP4, BP7

Institute for Biomarker Research, Medical Diagnostic Laboratories, L.L.C.
Classification: Likely benign for Hereditary cancer-predisposing syndrome. Last evaluated: 2023-04-11. Review status: criteria provided, single submitter. Criteria: ACMG Guidelines, 2015. Collection method: clinical testing. Allele origin: germline.

Myriad Genetics, Inc.
Classification: Benign for Familial cancer of breast. Last evaluated: 2023-03-30. Review status: criteria provided, single submitter. Criteria: Myriad Autosomal Dominant, Autosomal Recessive and X-Linked Classification Criteria (2023). Collection method: clinical testing. Allele origin: unknown.
Comment: This variant is considered benign. This variant is a silent/synonymous amino acid change and it is not expected to impact splicing.

Sema4
Classification: Likely benign for Hereditary cancer-predisposing syndrome. Last evaluated: 2021-03-16. Review status: criteria provided, single submitter. Criteria: Sema4 Curation Guidelines. Collection method: curation. Allele origin: germline.

Women's Health and Genetics/Laboratory Corporation of America, LabCorp
Classification: Likely benign. Last evaluated: 2019-12-31. Review status: criteria provided, single submitter. Criteria: LabCorp Variant Classification Summary - May 2015. Collection method: clinical testing. Allele origin: germline.

Quest Diagnostics Nichols Institute San Juan Capistrano
Classification: Likely benign. Last evaluated: 2017-07-11. Review status: criteria provided, single submitter. Criteria: Quest Diagnostics criteria. Collection method: clinical testing. Allele origin: unknown.

Color Diagnostics, LLC DBA Color Health
Classification: Likely benign for Hereditary cancer-predisposing syndrome. Last evaluated: 2015-09-08. Review status: criteria provided, single submitter. Criteria: ACMG Guidelines, 2015. Collection method: clinical testing. Allele origin: germline.

Cancer Genetics Laboratory, Peter MacCallum Cancer Centre
Classification: Likely benign for Familial cancer of breast. Last evaluated: 2015-06-01. Review status: criteria provided, single submitter. Criteria: Thompson et al. (Breast Cancer Res. 2015). Collection method: case-control. Allele origin: germline. Affected: no. Observed: 1 variant allele, 1 heterozygote.

Ambry Genetics
Classification: Likely benign for Hereditary cancer-predisposing syndrome. Last evaluated: 2015-05-03. Review status: criteria provided, single submitter. Criteria: Ambry Variant Classification Scheme 2023. Collection method: clinical testing. Allele origin: germline.

GeneDx
Classification: Benign. Last evaluated: 2015-03-03. Review status: criteria provided, single submitter. Criteria: GeneDx Variant Classification Process June 2021. Collection method: clinical testing. Allele origin: germline. Affected: yes.

PreventionGenetics, part of Exact Sciences
Classification: Likely benign for PALB2-related condition. Last evaluated: 2020-09-03. Review status: no assertion criteria provided. Collection method: clinical testing. Allele origin: germline. Not counted in ClinVar's aggregate classification.
Comment: This variant is classified as likely benign based on ACMG/AMP sequence variant interpretation guidelines (Richards et al. 2015 PMID: 25741868, with internal and published modifications).

Counsyl
Classification: Likely benign for Familial cancer of breast. Last evaluated: 2016-10-05. Review status: no assertion criteria provided. Collection method: clinical testing. Allele origin: unknown. Not counted in ClinVar's aggregate classification.

Literature cited by the submitters: PubMed 26283626 (cited by Department of Pathology and Laboratory Medicine, Sinai Health System and Counsyl).

NM_024675.4(PALB2):c.2082A>G (p.Thr694=)

Gene: PALB2 (partner and localizer of BRCA2; minus strand). Cytogenetic location: 16p12.2.
Variant type: single nucleotide variant.
Coding change: c.2082A>G on transcript NM_024675.4 (MANE Select); coding-DNA position 2082, A replaced by G.
Protein change: p.Thr694=; no amino-acid change (threonine 694 retained).
Molecular consequence: synonymous variant.
Genome position (GRCh38, 1-based): chr16:23,630,072, T>C on the plus strand (A>G on the coding strand, the complement: PALB2 is on the minus strand). VCF-style: chr16-23630072-T-C. GRCh37 (hg19) VCF-style: chr16-23641393-T-C.
Identifiers: ClinVar variation 183889 (VCV000183889.53), dbSNP rs781440401, ClinGen allele CA186879.